The following is an entry in ClinVar:

ClinVar aggregate classification (germline): Uncertain significance (1 of 4 stars; one submission).

gnomAD v4.1: 1 of 1,613,930 alleles (0.000062%); highest among the groups gnomAD compares: African/African-American, 0.0013%; no homozygotes.

Submission:

Labcorp Genetics (formerly Invitae), Labcorp
Classification: Uncertain significance. Last evaluated: 2021-11-17. Review status: criteria provided, single submitter. Criteria: Invitae Variant Classification Sherloc (09022015). Collection method: clinical testing. Allele origin: germline.
Comment: This sequence change replaces alanine, which is neutral and non-polar, with aspartic acid, which is acidic and polar, at codon 3725 of the VPS13C protein (p.Ala3725Asp). This variant is not present in population databases (gnomAD no frequency). This variant has not been reported in the literature in individuals affected with VPS13C-related conditions. Algorithms developed to predict the effect of missense changes on protein structure and function are either unavailable or do not agree on the potential impact of this missense change (SIFT: "Tolerated"; PolyPhen-2: "Probably Damaging"; Align-GVGD: "Class C0"). In summary, the available evidence is currently insufficient to determine the role of this variant in disease. Therefore, it has been classified as a Variant of Uncertain Significance.

NM_020821.3(VPS13C):c.11174C>A (p.Ala3725Asp)

Gene: VPS13C (vacuolar protein sorting 13 homolog C; minus strand). Cytogenetic location: 15q22.2.
Variant type: single nucleotide variant.
Coding change: c.11174C>A on transcript NM_020821.3 (MANE Select); coding-DNA position 11174, C replaced by A.
Protein change: p.Ala3725Asp; replaces alanine 3725 with aspartic acid.
Molecular consequence: missense variant.
Genome position (GRCh38, 1-based): chr15:61,854,545, G>T on the plus strand (C>A on the coding strand, the complement: VPS13C is on the minus strand). VCF-style: chr15-61854545-G-T. GRCh37 (hg19) VCF-style: chr15-62146744-G-T.
Other names: c.11045C>A, p.Ala3682Asp (NM_017684.5); short protein forms A3682D, A3725D.
Identifiers: ClinVar variation 1492013 (VCV001492013.3), dbSNP rs770102471, ClinGen allele CA392666155.